The following is an entry in ClinVar:

ClinVar aggregate classification (germline): Benign. Review status: criteria provided, multiple submitters, no conflicts (2 of 4 stars). 2 submissions from 2 submitters: Benign (2). Last evaluated 2026-06-17.

Conditions:
Polyps, multiple and recurrent inflammatory fibroid, gastrointestinal. Identifiers: MedGen C5193005, MONDO:0008285, OMIM 175510.
Gastrointestinal stromal tumor. Also called: Gastrointestinal stromal tumor, somatic; Gastrointestinal stroma tumor. Identifiers: Orphanet 44890, MedGen C0238198, MeSH D046152, MONDO:0011719, OMIM 606764, HP:0100723.

Allele frequency attached by ClinVar (database versions not stated): ExAC 0.00009; gnomAD exomes 0.00012 and 0.00013; 1000 Genomes Project 30x 0.00031; 1000 Genomes Project 0.00040; gnomAD 0.00006 and 0.00007.
gnomAD v4.1: 202 of 1,608,586 alleles (0.013%); highest among the groups gnomAD compares: East Asian, 0.13%; no homozygotes.

Submissions (2):

Myriad Genetics, Inc.
Classification: Benign for Polyps, multiple and recurrent inflammatory fibroid, gastrointestinal. Last evaluated: 2026-06-17. Review status: criteria provided, single submitter. Criteria: Myriad Autosomal Dominant, Autosomal Recessive and X-Linked Classification Criteria (2023). Collection method: clinical testing. Allele origin: unknown.
Comment: This variant is considered benign. This variant is intronic and is not expected to impact mRNA splicing. This variant has been observed at a population frequency that is significantly greater than expected given the associated disease prevalence and penetrance.

Labcorp Genetics (formerly Invitae), Labcorp
Classification: Benign for Gastrointestinal stromal tumor. Last evaluated: 2026-01-31. Review status: criteria provided, single submitter. Criteria: Invitae Variant Classification Sherloc (09022015). Collection method: clinical testing. Allele origin: germline.

NM_006206.6(PDGFRA):c.2003-18C>T

Gene: PDGFRA (platelet derived growth factor receptor alpha; plus strand). Cytogenetic location: 4q12.
Variant type: single nucleotide variant.
Coding change: c.2003-18C>T on transcript NM_006206.6 (MANE Select); 18 bases into the intron before coding-DNA position 2003, C replaced by T.
Molecular consequence: intron variant.
Genome position (GRCh38, 1-based): chr4:54,278,344, C>T. VCF-style: chr4-54278344-C-T. GRCh37 (hg19) VCF-style: chr4-55144511-C-T.
Other names: c.2078-18C>T (NM_001347828.2); c.2003-18C>T (NM_001347827.2, NM_001347829.2); c.2042-18C>T (NM_001347830.2).
Identifiers: ClinVar variation 1556082 (VCV001556082.9), dbSNP rs200660844, ClinGen allele CA2922732.